The following is an entry in ClinVar:

NM_019109.5(ALG1):c.714C>T (p.Gly238=)

Gene: ALG1 (ALG1 chitobiosyldiphosphodolichol beta-mannosyltransferase; plus strand). Cytogenetic location: 16p13.3.
Variant type: single nucleotide variant.
Coding change: c.714C>T on transcript NM_019109.5 (MANE Select); coding-DNA position 714, C replaced by T.
Protein change: p.Gly238=; no amino-acid change (glycine 238 retained).
Molecular consequence: synonymous variant.
Genome position (GRCh38, 1-based): chr16:5,077,991, C>T. VCF-style: chr16-5077991-C-T. GRCh37 (hg19) VCF-style: chr16-5127992-C-T.
Other names: c.381C>T, p.Gly127= (NM_001330504.2).
Identifiers: ClinVar variation 382579 (VCV000382579.1), dbSNP rs1057521392, ClinGen allele CA16607030.

ClinVar aggregate classification (germline): Likely benign (1 of 4 stars; one submission).

Submission:

GeneDx
Classification: Likely benign. Last evaluated: 2016-03-04. Review status: criteria provided, single submitter. Criteria: GeneDx Variant Classification (06012015). Collection method: clinical testing. Allele origin: germline. Affected: yes.
Comment: This variant is considered likely benign or benign based on one or more of the following criteria: it is a conservative change, it occurs at a poorly conserved position in the protein, it is predicted to be benign by multiple in silico algorithms, and/or has population frequency not consistent with disease.